The following is an entry in ClinVar:

ClinVar aggregate classification (germline): Benign/Likely benign. Review status: criteria provided, multiple submitters, no conflicts (2 of 4 stars). 6 submissions from 6 submitters: Benign (3); Likely benign (3). Last evaluated 2026-02-03.

Conditions:
ALG1-congenital disorder of glycosylation. Also called: ALG1-CDG; CONGENITAL DISORDER OF GLYCOSYLATION, TYPE Ik; CDG Ik. Identifiers: Orphanet 79327, MedGen C2931005, MONDO:0012052, OMIM 608540.

Allele frequency attached by ClinVar (database versions not stated): gnomAD exomes 0.00337; ExAC 0.00429; gnomAD 0.01268 and 0.01358; ESP Exome Variant Server 0.01385; TOPMed 0.01456; 1000 Genomes Project 0.01458; 1000 Genomes Project 30x 0.01499.

Submissions (6):

Labcorp Genetics (formerly Invitae), Labcorp
Classification: Benign for ALG1-congenital disorder of glycosylation. Last evaluated: 2026-02-03. Review status: criteria provided, single submitter. Criteria: Invitae Variant Classification Sherloc (09022015). Collection method: clinical testing. Allele origin: germline.

Mayo Clinic Laboratories, Mayo Clinic
Classification: Benign. Last evaluated: 2024-09-17. Review status: criteria provided, single submitter. Criteria: ACMG Guidelines, 2015. Collection method: clinical testing. Allele origin: germline. Observed: 3 variant alleles.
Comment: BS1, BS2, BP4

Fulgent Genetics
Classification: Likely benign for ALG1-congenital disorder of glycosylation. Last evaluated: 2021-09-28. Review status: criteria provided, single submitter. Criteria: ACMG Guidelines, 2015. Collection method: clinical testing. Allele origin: unknown.

Center for Pediatric Genomic Medicine, Children's Mercy Hospital and Clinics
Classification: Likely benign. Last evaluated: 2017-08-31. Review status: criteria provided, single submitter. Criteria: ACMG Guidelines, 2015. Collection method: clinical testing. Allele origin: germline.

GeneDx
Classification: Benign. Last evaluated: 2016-04-25. Review status: criteria provided, single submitter. Criteria: GeneDx Variant Classification (06012015). Collection method: clinical testing. Allele origin: germline. Affected: yes.
Comment: This variant is considered likely benign or benign based on one or more of the following criteria: it is a conservative change, it occurs at a poorly conserved position in the protein, it is predicted to be benign by multiple in silico algorithms, and/or has population frequency not consistent with disease.

Breakthrough Genomics
Classification: Likely benign. Review status: criteria provided, single submitter. Criteria: ACMG Guidelines, 2015. Collection method: not provided. Allele origin: germline. Inheritance: Autosomal recessive inheritance. Affected: yes.

NM_019109.5(ALG1):c.554T>G (p.Phe185Cys)

Gene: ALG1 (ALG1 chitobiosyldiphosphodolichol beta-mannosyltransferase; plus strand). Cytogenetic location: 16p13.3.
Variant type: single nucleotide variant.
Coding change: c.554T>G on transcript NM_019109.5 (MANE Select); coding-DNA position 554, T replaced by G.
Protein change: p.Phe185Cys; replaces phenylalanine 185 with cysteine.
Molecular consequence: missense variant.
Genome position (GRCh38, 1-based): chr16:5,077,459, T>G. VCF-style: chr16-5077459-T-G. GRCh37 (hg19) VCF-style: chr16-5127460-T-G.
Other names: p.Phe185Cys; c.221T>G, p.Phe74Cys (NM_001330504.2); short protein forms F74C.
Identifiers: ClinVar variation 384255 (VCV000384255.16), dbSNP rs112668461, ClinGen allele CA7889890.
Genomic context (GRCh38, chr16:5,077,459, plus strand): 5'-CGGAGGCCTGTCTAGGGCTCTGCTGACTGCTGATCTCTCTTTTCAGGTACGAGAAGTTCT[T>G]TGGGCGCCTGTCCCACCTGAACCTGTGTGTTACCAATGCTATGCGAGAAGACCTGGCGGA-3'
Protein context (NP_061982.3, residues 175-195): VLLAKWYEKF[Phe185Cys]GRLSHLNLCV